The following is an entry in ClinVar:

NM_152732.5(RSPH9):c.283C>T (p.Gln95Ter)

Gene: RSPH9 (radial spoke head component 9; plus strand). Cytogenetic location: 6p21.1.
Variant type: single nucleotide variant.
Coding change: c.283C>T on transcript NM_152732.5 (MANE Select); coding-DNA position 283, C replaced by T.
Protein change: p.Gln95Ter; replaces glutamine 95 with a stop codon.
Molecular consequence: nonsense. On other transcripts: non-coding transcript variant (1).
Genome position (GRCh38, 1-based): chr6:43,650,430, C>T. VCF-style: chr6-43650430-C-T. GRCh37 (hg19) VCF-style: chr6-43618167-C-T.
Other names: c.283C>T, p.Gln95Ter (NM_001193341.2, NM_001424119.1, NM_001424120.1 and 1 more transcripts); short protein forms Q95*.
Identifiers: ClinVar variation 581601 (VCV000581601.8), dbSNP rs1436804091, ClinGen allele CA364288520.
Genomic context (GRCh38, chr6:43,650,430, plus strand): 5'-GGCAGCCTGAACTGCACAGAGTGGAGCCTCTTGCCCCCTGCCACAGAGGAGATGGTGGCG[C>T]AGTCGTCTGTGGTGAAGGGCCGCTTCATGGGGGACCCATCATACGAATATGAACACACTG-3'

ClinVar aggregate classification (germline): Pathogenic (1 of 4 stars; one submission).

Conditions:
Primary ciliary dyskinesia. Also called: Ciliary dyskinesia. Identifiers: Orphanet 244, MedGen C0008780, MONDO:0016575, HP:0012265.

Allele frequency attached by ClinVar (database versions not stated): gnomAD exomes below 0.00001; TOPMed below 0.00001.
gnomAD v4.1: 1 of 1,614,070 alleles (0.000062%); highest among the groups gnomAD compares: Non-Finnish European, 0.000085%; no homozygotes.

Submission:

Labcorp Genetics (formerly Invitae), Labcorp
Classification: Pathogenic for Primary ciliary dyskinesia. Last evaluated: 2017-11-08. Review status: criteria provided, single submitter. Criteria: Invitae Variant Classification Sherloc (09022015). Collection method: clinical testing. Allele origin: germline.
Comment: This variant has not been reported in the literature in individuals with RSPH9-related disease. This sequence change creates a premature translational stop signal (p.Gln95*) in the RSPH9 gene. It is expected to result in an absent or disrupted protein product. This variant is not present in population databases (ExAC no frequency). Loss-of-function variants in RSPH9 are known to be pathogenic (PMID: 19200523, 23993197). For these reasons, this variant has been classified as Pathogenic.

Literature cited by the submitters: PubMed 19200523; PubMed 23993197.